The following is an entry in ClinVar:

NM_001829.4(CLCN3):c.883A>T (p.Ile295Phe)

Gene: CLCN3 (chloride voltage-gated channel 3; plus strand). Cytogenetic location: 4q33.
Variant type: single nucleotide variant.
Coding change: c.883A>T on transcript NM_001829.4 (MANE Select); coding-DNA position 883, A replaced by T.
Protein change: p.Ile295Phe; replaces isoleucine 295 with phenylalanine.
Molecular consequence: missense variant.
Genome position (GRCh38, 1-based): chr4:169,692,267, A>T. VCF-style: chr4-169692267-A-T. GRCh37 (hg19) VCF-style: chr4-170613418-A-T.
Other names: c.883A>T, p.Ile295Phe (NM_001243372.2, NM_173872.4); c.802A>T, p.Ile268Phe (NM_001243374.2); short protein forms I268F, I295F.
Identifiers: ClinVar variation 4075696 (VCV004075696.1).

ClinVar aggregate classification (germline): Uncertain significance (1 of 4 stars; one submission).

Submission:

GeneDx
Classification: Uncertain significance. Last evaluated: 2025-02-13. Review status: criteria provided, single submitter. Criteria: GeneDx Variant Classification Process June 2021. Collection method: clinical testing. Allele origin: germline. Affected: yes.
Comment: Not observed at significant frequency in large population cohorts (gnomAD); In silico analysis supports that this missense variant has a deleterious effect on protein structure/function; Has not been previously published as pathogenic or benign to our knowledge